The following is an entry in ClinVar:

ClinVar aggregate classification (germline): Conflicting classifications of pathogenicity. Review status: criteria provided, conflicting classifications (1 of 4 stars). 2 submissions from 2 submitters: Uncertain significance (1); Likely benign (1). Last evaluated 2024-11-26.

Conditions:
Inborn genetic diseases. Identifiers: MedGen C0950123, MeSH D030342.

Allele frequency attached by ClinVar (database versions not stated): TOPMed below 0.00001; gnomAD 0.00001; gnomAD exomes 0.00003; ExAC 0.00004; ESP Exome Variant Server 0.00008.
gnomAD v4.1: 154 of 1,614,046 alleles (0.0095%); highest among the groups gnomAD compares: Non-Finnish European, 0.013%; no homozygotes.

Submissions (2):

Ambry Genetics
Classification: Likely benign for Inborn genetic diseases. Last evaluated: 2024-11-26. Review status: criteria provided, single submitter. Criteria: Ambry Variant Classification Scheme 2023. Collection method: clinical testing. Allele origin: germline.

Labcorp Genetics (formerly Invitae), Labcorp
Classification: Uncertain significance. Last evaluated: 2024-10-22. Review status: criteria provided, single submitter. Criteria: Invitae Variant Classification Sherloc (09022015). Collection method: clinical testing. Allele origin: germline.
Comment: This sequence change replaces aspartic acid, which is acidic and polar, with asparagine, which is neutral and polar, at codon 1368 of the SETBP1 protein (p.Asp1368Asn). This variant is present in population databases (rs370218399, gnomAD 0.005%). This variant has not been reported in the literature in individuals affected with SETBP1-related conditions. ClinVar contains an entry for this variant (Variation ID: 1420266). Invitae Evidence Modeling of protein sequence and biophysical properties (such as structural, functional, and spatial information, amino acid conservation, physicochemical variation, residue mobility, and thermodynamic stability) indicates that this missense variant is not expected to disrupt SETBP1 protein function with a negative predictive value of 80%. In summary, the available evidence is currently insufficient to determine the role of this variant in disease. Therefore, it has been classified as a Variant of Uncertain Significance.

NM_015559.3(SETBP1):c.4102G>A (p.Asp1368Asn)

Gene: SETBP1 (SET binding protein 1; plus strand). Cytogenetic location: 18q12.3.
Variant type: single nucleotide variant.
Coding change: c.4102G>A on transcript NM_015559.3 (MANE Select); coding-DNA position 4102, G replaced by A.
Protein change: p.Asp1368Asn; replaces aspartic acid 1368 with asparagine.
Molecular consequence: missense variant.
Genome position (GRCh38, 1-based): chr18:45,038,586, G>A. VCF-style: chr18-45038586-G-A. GRCh37 (hg19) VCF-style: chr18-42618551-G-A.
Other names: c.4102G>A, p.Asp1368Asn (NM_001379141.1, NM_001379142.1); c.4102G>A (NM_015559.2); short protein forms D1368N.
Identifiers: ClinVar variation 1420266 (VCV001420266.9), dbSNP rs370218399, ClinGen allele CA8946079.
Genomic context (GRCh38, chr18:45,038,586, plus strand): 5'-CATAGTAAGAACGAAGGCTCAGTGCCCACCATGATGACCAGGAAGAAGCCAGCCGCAGTT[G>A]ACAGTGTTACAATTCCACCAGCCCCAGTGTTATCTCTCCTTGCTGCATCTGCAGCAACGT-3'
Protein context (NP_056374.2, residues 1358-1378): MMTRKKPAAV[Asp1368Asn]SVTIPPAPVL